The following is an entry in ClinVar:

ClinVar aggregate classification (germline): Uncertain significance (1 of 4 stars; one submission).

Conditions:
Inborn genetic diseases. Identifiers: MedGen C0950123, MeSH D030342.

Submission:

Ambry Genetics
Classification: Uncertain significance for Inborn genetic diseases. Last evaluated: 2025-11-13. Review status: criteria provided, single submitter. Criteria: Ambry Variant Classification Scheme 2023. Collection method: clinical testing. Allele origin: germline.
Comment: The p.T928S variant (also known as c.2783C>G), located in coding exon 29 of the FANCA gene, results from a C to G substitution at nucleotide position 2783. The threonine at codon 928 is replaced by serine, an amino acid with similar properties. This amino acid position is conserved. In addition, the in silico prediction for this alteration is inconclusive. Based on the available evidence, the clinical significance of this variant remains unclear.

NM_000135.4(FANCA):c.2783C>G (p.Thr928Ser)

Gene: FANCA (FA complementation group A; minus strand). Cytogenetic location: 16q24.3.
Variant type: single nucleotide variant.
Coding change: c.2783C>G on transcript NM_000135.4 (MANE Select); coding-DNA position 2783, C replaced by G.
Protein change: p.Thr928Ser; replaces threonine 928 with serine.
Molecular consequence: missense variant.
Genome position (GRCh38, 1-based): chr16:89,762,018, G>C on the plus strand (C>G on the coding strand, the complement: FANCA is on the minus strand). VCF-style: chr16-89762018-G-C. GRCh37 (hg19) VCF-style: chr16-89828426-G-C.
Other names: c.2783C>G, p.Thr928Ser (NM_001286167.3); short protein forms T928S.
Identifiers: ClinVar variation 4619268 (VCV004619268.1).